The following is an entry in ClinVar:

NC_000009.12:g.(?_6587121)_(6606689_?)del

Gene: GLDC (glycine decarboxylase; minus strand). Cytogenetic location: 9p24.1.
Variant type: Deletion.
Identifiers: ClinVar variation 830434 (VCV000830434.1).

ClinVar aggregate classification (germline): Pathogenic (1 of 4 stars; one submission).

Conditions:
Glycine encephalopathy. Also called: Nonketotic hyperglycinemia; Non-ketotic hyperglycinemia. Identifiers: Orphanet 407, MedGen C0751748, MONDO:0011612, HP:0008288.

Submission:

Labcorp Genetics (formerly Invitae), Labcorp
Classification: Pathogenic for Non-ketotic hyperglycinemia. Last evaluated: 2019-05-28. Review status: criteria provided, single submitter. Criteria: Invitae Variant Classification Sherloc (09022015). Collection method: clinical testing. Allele origin: germline.
Comment: This variant results in a copy number gain of the genomic region encompassing exons 5-15 of the GLDC gene. While the exact position of this variant cannot be determined from this data, sub-genic copy number gains are generally in tandem (PMID: 25640679). This variant would be expected to be in-frame, preserving the integrity of the reading frame. This variant has been observed in combination with another GLDC variant in individuals affected with glycine encephalopathy (PMID: 27362913). This variant disrupts the p.His580, p.Arg515 and p.Cys382 amino acid residues in GLDC. Other variant(s) that disrupt these residues have been determined to be pathogenic (PMID: 273629130, 10873393, 17361008, 12126939, 11286506, 26179960, 27362913). This suggests that this residue is clinically significant, and that variants that disrupt this residue are likely to be disease-causing. For these reasons, this variant has been classified as Pathogenic.

Literature cited by the submitters: PubMed 12126939; PubMed 27362913; PubMed 10873393; PubMed 17361008; PubMed 273629130; PubMed 11286506; PubMed 26179960.